The following is an entry in ClinVar:

ClinVar aggregate classification (germline): Uncertain significance. Review status: criteria provided, multiple submitters, no conflicts (2 of 4 stars). 3 submissions from 2 submitters: Uncertain significance (3). Last evaluated 2025-07-27.

Conditions:
Alternating hemiplegia of childhood 2 (AHC2). Also called: Alternating Hemiplegia of Childhood (AHC). Identifiers: Orphanet 2131, MedGen C3553788, MONDO:0013900, OMIM 614820.
Dystonia 12 (DYT12). Also called: DYT-ATP1A3; Rapid-Onset Dystonia-Parkinsonism (RDP). Identifiers: Orphanet 71517, MedGen C1868681, MONDO:0007496, OMIM 128235.

Allele frequency attached by ClinVar (database versions not stated): gnomAD exomes below 0.00001.
gnomAD v4.1: 4 of 1,613,136 alleles (0.00025%); highest among the groups gnomAD compares: Non-Finnish European, 0.00017%; no homozygotes.

Submissions (3):

Labcorp Genetics (formerly Invitae), Labcorp
Classification: Uncertain significance for Dystonia 12. Last evaluated: 2025-07-27. Review status: criteria provided, single submitter. Criteria: Invitae Variant Classification Sherloc (09022015). Collection method: clinical testing. Allele origin: germline.
Comment: This sequence change falls in intron 6 of the ATP1A3 gene. It does not directly change the encoded amino acid sequence of the ATP1A3 protein. It affects a nucleotide within the consensus splice site. This variant is not present in population databases (gnomAD no frequency). This variant has not been reported in the literature in individuals affected with ATP1A3-related conditions. ClinVar contains an entry for this variant (Variation ID: 329424). Variants that disrupt the consensus splice site are a relatively common cause of aberrant splicing (PMID: 17576681, 9536098). Algorithms developed to predict the effect of sequence changes on RNA splicing suggest that this variant is not likely to affect RNA splicing. In summary, the available evidence is currently insufficient to determine the role of this variant in disease. Therefore, it has been classified as a Variant of Uncertain Significance.

Illumina Laboratory Services, Illumina
Classification: Uncertain significance for Alternating hemiplegia of childhood 2. Last evaluated: 2018-01-13. Review status: criteria provided, single submitter. Criteria: ICSL Variant Classification Criteria 13 December 2019. Collection method: clinical testing. Allele origin: germline.

Illumina Laboratory Services, Illumina
Classification: Uncertain significance for Dystonia 12. Last evaluated: 2018-01-13. Review status: criteria provided, single submitter. Criteria: ICSL Variant Classification Criteria 13 December 2019. Collection method: clinical testing. Allele origin: germline.

Literature cited by the submitters: PubMed 17576681 (cited by Labcorp Genetics (formerly Invitae), Labcorp); PubMed 9536098 (cited by Labcorp Genetics (formerly Invitae), Labcorp).

NM_152296.5(ATP1A3):c.607-3C>T

Gene: ATP1A3 (ATPase Na+/K+ transporting subunit alpha 3; minus strand). Cytogenetic location: 19q13.2.
Variant type: single nucleotide variant.
Coding change: c.607-3C>T on transcript NM_152296.5 (MANE Select); 3 bases into the intron before coding-DNA position 607, C replaced by T.
Molecular consequence: intron variant.
Genome position (GRCh38, 1-based): chr19:41,985,426, G>A on the plus strand (C>T on the coding strand, the complement: ATP1A3 is on the minus strand). VCF-style: chr19-41985426-G-A. GRCh37 (hg19) VCF-style: chr19-42489578-G-A.
Other names: c.646-3C>T (NM_001256214.2); c.640-3C>T (NM_001256213.2).
Identifiers: ClinVar variation 329424 (VCV000329424.10), dbSNP rs886054475, ClinGen allele CA10652493.
Genomic context (GRCh38, chr19:41,985,426, plus strand): 5'-TGCAGTCGGGAGAGCGAGTCTGGGGCTCGGATTCGCCAGTCAGGGAGGAGTTGTCCACCT[G>A]GGGGTAGGTGCAGCAGAGAGAGGGTTCAGTCCAGGGCCTGGGACAGGAGGGTATTTGTGT-3'